The following is an entry in ClinVar:

NM_001849.4(COL6A2):c.1715G>A (p.Arg572Lys)

Gene: COL6A2 (collagen type VI alpha 2 chain; plus strand). Cytogenetic location: 21q22.3.
Variant type: single nucleotide variant.
Coding change: c.1715G>A on transcript NM_001849.4 (MANE Select); coding-DNA position 1715, G replaced by A.
Protein change: p.Arg572Lys; replaces arginine 572 with lysine.
Molecular consequence: missense variant.
Genome position (GRCh38, 1-based): chr21:46,124,694, G>A. VCF-style: chr21-46124694-G-A. GRCh37 (hg19) VCF-style: chr21-47544608-G-A.
Other names: c.1715G>A, p.Arg572Lys (NM_058174.3, NM_058175.3); short protein forms R572K.
Identifiers: ClinVar variation 4749894 (VCV004749894.1).

ClinVar aggregate classification (germline): Uncertain significance (1 of 4 stars; one submission).

Conditions:
Bethlem myopathy 1A. Also called: Bethlem myopathy 1; Bethlem Muscular Dystrophy; MYOPATHY, BENIGN CONGENITAL, WITH CONTRACTURES. Identifiers: Orphanet 610, MedGen CN029274, MONDO:0024530, OMIM 158810.

gnomAD v4.1: 3 of 1,612,926 alleles (0.00019%); highest among the groups gnomAD compares: Admixed American, 0.005%; no homozygotes.

Submission:

Labcorp Genetics (formerly Invitae), Labcorp
Classification: Uncertain significance for Bethlem myopathy 1A. Last evaluated: 2025-08-24. Review status: criteria provided, single submitter. Criteria: Invitae Variant Classification Sherloc (09022015). Collection method: clinical testing. Allele origin: germline.
Comment: This sequence change replaces arginine, which is basic and polar, with lysine, which is basic and polar, at codon 572 of the COL6A2 protein (p.Arg572Lys). This variant is not present in population databases (gnomAD no frequency). This variant has not been reported in the literature in individuals affected with COL6A2-related conditions. Invitae Evidence Modeling of protein sequence and biophysical properties (such as structural, functional, and spatial information, amino acid conservation, physicochemical variation, residue mobility, and thermodynamic stability) indicates that this missense variant is not expected to disrupt COL6A2 protein function with a negative predictive value of 80%. In summary, the available evidence is currently insufficient to determine the role of this variant in disease. Therefore, it has been classified as a Variant of Uncertain Significance.